The following is an entry in ClinVar:

NM_001267550.2(TTN):c.65194_65197del (p.Phe21732fs)

Genes: TTN (titin; minus strand), TTN-AS1 (TTN antisense RNA 1; plus strand). Cytogenetic location: 2q31.2.
Variant type: Microsatellite.
Coding change: c.65194_65197del on transcript NM_001267550.2 (MANE Select); coding-DNA positions 65194 to 65197, 4 bases deleted (TTCA; older notation c.65194_65197delTTCA).
Protein change: p.Phe21732fs; shifts the reading frame from phenylalanine 21732.
Molecular consequence: frameshift variant.
Genome position (GRCh38, 1-based): chr2:178,584,354-178,584,357, TGAA deleted on the plus strand (TTCA on the coding strand, the reverse complement: TTN is on the minus strand); deleting any 4 consecutive bases within chr2:178,584,354-178,584,362 gives the same sequence; the c. name uses the placement nearest the transcript's 3' end. VCF-style (leftmost placement, unchanged base first): chr2-178584353-CTGAA-C. GRCh37 (hg19) VCF-style: chr2-179449080-CTGAA-C.
Other names: c.60271_60274del, p.Phe20091fs (NM_001256850.1); c.37999_38002del, p.Phe12667fs (NM_003319.4); c.57490_57493del, p.Phe19164fs (NM_133378.4); c.38374_38377del, p.Phe12792fs (NM_133432.3); c.38575_38578del, p.Phe12859fs (NM_133437.4); short protein forms F12667fs, F12792fs, F12859fs, F19164fs, F20091fs, F21732fs.
Identifiers: ClinVar variation 3239596 (VCV003239596.19), dbSNP rs2469135281.

ClinVar aggregate classification (germline): Likely pathogenic (1 of 4 stars; one submission).

Submission:

CeGaT Center for Human Genetics Tuebingen
Classification: Likely pathogenic. Last evaluated: 2024-07-01. Review status: criteria provided, single submitter. Criteria: CeGaT Center For Human Genetics Tuebingen Variant Classification Criteria Version 2. Collection method: clinical testing. Allele origin: germline. Affected: yes. Observed: 2 variant alleles.
Comment: TTN: PVS1:Strong, PM2